The following is an entry in ClinVar:

ClinVar aggregate classification (germline): Pathogenic. Review status: criteria provided, multiple submitters, no conflicts (2 of 4 stars). 3 submissions from 3 submitters: Pathogenic (3). Last evaluated 2026-04-01.

Conditions:
Progressive sclerosing poliodystrophy (MTDPS4A). Also called: ALPERS PROGRESSIVE INFANTILE POLIODYSTROPHY; NEURONAL DEGENERATION OF CHILDHOOD WITH LIVER DISEASE, PROGRESSIVE; Alpers Syndrome; ALPERS DIFFUSE DEGENERATION OF CEREBRAL GRAY MATTER WITH HEPATIC CIRRHOSIS; Alpers-Huttenlocher Syndrome; Mitochondrial DNA depletion syndrome 4A (Alpers type). Identifiers: Orphanet 726, MedGen C0205710, MONDO:0008758, OMIM 203700.
POLG-related disorder. Also called: POLG-related condition; POLG-Related Disorders; POLG-Related Spectrum Disorders. Identifiers: MedGen C4763519.

Submissions (3):

CeGaT Center for Human Genetics Tuebingen
Classification: Pathogenic. Last evaluated: 2026-04-01. Review status: criteria provided, single submitter. Criteria: CeGaT Center For Human Genetics Tuebingen Variant Classification Criteria Version 2. Collection method: clinical testing. Allele origin: germline. Affected: yes. Observed: 3 variant alleles.
Comment: POLG: PVS1, PM2

Myriad Genetics, Inc.
Classification: Pathogenic for POLG-related disorder. Last evaluated: 2026-01-21. Review status: criteria provided, single submitter. Criteria: Myriad Autosomal Dominant, Autosomal Recessive and X-Linked Classification Criteria (2023). Collection method: clinical testing. Allele origin: unknown.
Comment: NM_002693.2(POLG):c.2926C>T(Q976*) is expected to be pathogenic in the context of POLG-related disorders. This variant is predicted to lead to an abnormal or absent protein product due to the creation of a premature termination codon in POLG, a gene where loss-of-function variants are known to be pathogenic. Please note: this variant was assessed in the context of healthy population screening.

Labcorp Genetics (formerly Invitae), Labcorp
Classification: Pathogenic for Progressive sclerosing poliodystrophy. Last evaluated: 2025-12-21. Review status: criteria provided, single submitter. Criteria: Invitae Variant Classification Sherloc (09022015). Collection method: clinical testing. Allele origin: germline.
Comment: This sequence change creates a premature translational stop signal (p.Gln976*) in the POLG gene. It is expected to result in an absent or disrupted protein product. Loss-of-function variants in POLG are known to be pathogenic (PMID: 18546365). This variant is not present in population databases (gnomAD no frequency). This variant has not been reported in the literature in individuals affected with POLG-related conditions. For these reasons, this variant has been classified as Pathogenic.

Literature cited by the submitters: PubMed 18546365 (cited by Labcorp Genetics (formerly Invitae), Labcorp).

NM_002693.3(POLG):c.2926C>T (p.Gln976Ter)

Gene: POLG (DNA polymerase gamma, catalytic subunit; minus strand). Cytogenetic location: 15q26.1.
Variant type: single nucleotide variant.
Coding change: c.2926C>T on transcript NM_002693.3 (MANE Select); coding-DNA position 2926, C replaced by T.
Protein change: p.Gln976Ter; replaces glutamine 976 with a stop codon.
Molecular consequence: nonsense.
Genome position (GRCh38, 1-based): chr15:89,320,821, G>A on the plus strand (C>T on the coding strand, the complement: POLG is on the minus strand). VCF-style: chr15-89320821-G-A. GRCh37 (hg19) VCF-style: chr15-89864052-G-A.
Other names: c.2926C>T, p.Gln976Ter (NM_001126131.2); short protein forms Q976*.
Identifiers: ClinVar variation 4733761 (VCV004733761.6).